The following is an entry in ClinVar:

NM_001457.4(FLNB):c.2443G>A (p.Ala815Thr)

Gene: FLNB (filamin B; plus strand). Cytogenetic location: 3p14.3.
Variant type: single nucleotide variant.
Coding change: c.2443G>A on transcript NM_001457.4 (MANE Select); coding-DNA position 2443, G replaced by A.
Protein change: p.Ala815Thr; replaces alanine 815 with threonine.
Molecular consequence: missense variant.
Genome position (GRCh38, 1-based): chr3:58,110,129, G>A. VCF-style: chr3-58110129-G-A. GRCh37 (hg19) VCF-style: chr3-58095856-G-A.
Other names: c.2443G>A, p.Ala815Thr (NM_001164317.2, NM_001164318.2, NM_001164319.2); short protein forms A815T.
Identifiers: ClinVar variation 4801693 (VCV004801693.1).
Genomic context (GRCh38, chr3:58,110,129, plus strand): 5'-GTGGATTTTGACATTATTCACAATGCCAATGATACGTTCACAGTCAAATATGTGCCTCCT[G>A]CTGCTGGGCGATACACTATCAAAGTTCTCTTTGCATCTCAGGTACGTGGTGGGGCCTGGG-3'
Protein context (NP_001448.2, residues 805-825): DTFTVKYVPP[Ala815Thr]AGRYTIKVLF

ClinVar aggregate classification (germline): Uncertain significance (1 of 4 stars; one submission).

Submission:

Labcorp Genetics (formerly Invitae), Labcorp
Classification: Uncertain significance. Last evaluated: 2025-09-07. Review status: criteria provided, single submitter. Criteria: Invitae Variant Classification Sherloc (09022015). Collection method: clinical testing. Allele origin: germline.
Comment: This sequence change replaces alanine, which is neutral and non-polar, with threonine, which is neutral and polar, at codon 815 of the FLNB protein (p.Ala815Thr). This variant is not present in population databases (gnomAD no frequency). This variant has not been reported in the literature in individuals affected with FLNB-related conditions. Invitae Evidence Modeling of protein sequence and biophysical properties (such as structural, functional, and spatial information, amino acid conservation, physicochemical variation, residue mobility, and thermodynamic stability) indicates that this missense variant is not expected to disrupt FLNB protein function with a negative predictive value of 95%. In summary, the available evidence is currently insufficient to determine the role of this variant in disease. Therefore, it has been classified as a Variant of Uncertain Significance.